The following is an entry in ClinVar:

NM_212482.4(FN1):c.2485G>A (p.Val829Ile)

Gene: FN1 (fibronectin 1; minus strand). Cytogenetic location: 2q35.
Variant type: single nucleotide variant.
Coding change: c.2485G>A on transcript NM_212482.4 (MANE Select); coding-DNA position 2485, G replaced by A.
Protein change: p.Val829Ile; replaces valine 829 with isoleucine.
Molecular consequence: missense variant.
Genome position (GRCh38, 1-based): chr2:215,408,141, C>T on the plus strand (G>A on the coding strand, the complement: FN1 is on the minus strand). VCF-style: chr2-215408141-C-T. GRCh37 (hg19) VCF-style: chr2-216272864-C-T.
Other names: c.2485G>A, p.Val829Ile (NM_001365523.2, NM_001365524.2, NM_002026.4 and 13 more transcripts); short protein forms V829I.
Identifiers: ClinVar variation 2875674 (VCV002875674.3), dbSNP rs749276956, ClinGen allele CA350490938.

ClinVar aggregate classification (germline): Uncertain significance (1 of 4 stars; one submission).

gnomAD v4.1: 2 of 1,614,052 alleles (0.00012%); highest among the groups gnomAD compares: Non-Finnish European, 0.00017%; no homozygotes.

Submission:

Labcorp Genetics (formerly Invitae), Labcorp
Classification: Uncertain significance. Last evaluated: 2023-06-03. Review status: criteria provided, single submitter. Criteria: Invitae Variant Classification Sherloc (09022015). Collection method: clinical testing. Allele origin: germline.
Comment: This sequence change replaces valine, which is neutral and non-polar, with isoleucine, which is neutral and non-polar, at codon 829 of the FN1 protein (p.Val829Ile). This variant is not present in population databases (gnomAD no frequency). This variant has not been reported in the literature in individuals affected with FN1-related conditions. Advanced modeling of protein sequence and biophysical properties (such as structural, functional, and spatial information, amino acid conservation, physicochemical variation, residue mobility, and thermodynamic stability) performed at Invitae indicates that this missense variant is not expected to disrupt FN1 protein function. In summary, the available evidence is currently insufficient to determine the role of this variant in disease. Therefore, it has been classified as a Variant of Uncertain Significance.